The following is an entry in ClinVar:

ClinVar aggregate classification (germline): Uncertain significance (1 of 4 stars; one submission).

Conditions:
Inborn genetic diseases. Identifiers: MedGen C0950123, MeSH D030342.

Submission:

Ambry Genetics
Classification: Uncertain significance for Inborn genetic diseases. Last evaluated: 2024-12-22. Review status: criteria provided, single submitter. Criteria: Ambry Variant Classification Scheme 2023. Collection method: clinical testing. Allele origin: germline.
Comment: The p.E1286Q variant (also known as c.3856G>C), located in coding exon 1 of the SAMD9L gene, results from a G to C substitution at nucleotide position 3856. The glutamic acid at codon 1286 is replaced by glutamine, an amino acid with highly similar properties. This amino acid position is conserved. In addition, this alteration is predicted to be tolerated by in silico analysis. Based on the available evidence, the clinical significance of this variant remains unclear.

NM_152703.5(SAMD9L):c.3856G>C (p.Glu1286Gln)

Gene: SAMD9L (sterile alpha motif domain containing 9 like; minus strand). Cytogenetic location: 7q21.2.
Variant type: single nucleotide variant.
Coding change: c.3856G>C on transcript NM_152703.5 (MANE Select); coding-DNA position 3856, G replaced by C.
Protein change: p.Glu1286Gln; replaces glutamic acid 1286 with glutamine.
Molecular consequence: missense variant.
Genome position (GRCh38, 1-based): chr7:93,132,116, C>G on the plus strand (G>C on the coding strand, the complement: SAMD9L is on the minus strand). VCF-style: chr7-93132116-C-G. GRCh37 (hg19) VCF-style: chr7-92761429-C-G.
Other names: c.3856G>C, p.Glu1286Gln (NM_001303496.3, NM_001303497.3, NM_001303498.3 and 5 more transcripts); short protein forms E1286Q.
Identifiers: ClinVar variation 3792242 (VCV003792242.1).